The following is an entry in ClinVar:

ClinVar aggregate classification (germline): Uncertain significance (1 of 4 stars; one submission).

Allele frequency attached by ClinVar (database versions not stated): gnomAD exomes below 0.00001.
gnomAD v4.1: 2 of 1,614,032 alleles (0.00012%); highest among the groups gnomAD compares: Non-Finnish European, 0.00017%; no homozygotes.

Submission:

Labcorp Genetics (formerly Invitae), Labcorp
Classification: Uncertain significance. Last evaluated: 2022-01-18. Review status: criteria provided, single submitter. Criteria: Invitae Variant Classification Sherloc (09022015). Collection method: clinical testing. Allele origin: germline.
Comment: In summary, the available evidence is currently insufficient to determine the role of this variant in disease. Therefore, it has been classified as a Variant of Uncertain Significance. Advanced modeling of protein sequence and biophysical properties (such as structural, functional, and spatial information, amino acid conservation, physicochemical variation, residue mobility, and thermodynamic stability) performed at Invitae indicates that this missense variant is not expected to disrupt ABCA4 protein function. This variant has not been reported in the literature in individuals affected with ABCA4-related conditions. This variant is present in population databases (no rsID available, gnomAD 0.0009%). This sequence change replaces aspartic acid, which is acidic and polar, with tyrosine, which is neutral and polar, at codon 1316 of the ABCA4 protein (p.Asp1316Tyr).

NM_000350.3(ABCA4):c.3946G>T (p.Asp1316Tyr)

Gene: ABCA4 (ATP binding cassette subfamily A member 4; minus strand). Cytogenetic location: 1p22.1.
Variant type: single nucleotide variant.
Coding change: c.3946G>T on transcript NM_000350.3 (MANE Select); coding-DNA position 3946, G replaced by T.
Protein change: p.Asp1316Tyr; replaces aspartic acid 1316 with tyrosine.
Molecular consequence: missense variant.
Genome position (GRCh38, 1-based): chr1:94,031,960, C>A on the plus strand (G>T on the coding strand, the complement: ABCA4 is on the minus strand). VCF-style: chr1-94031960-C-A. GRCh37 (hg19) VCF-style: chr1-94497516-C-A.
Other names: c.3724G>T, p.Asp1242Tyr (NM_001425324.1); short protein forms D1316Y, D1242Y.
Identifiers: ClinVar variation 2060181 (VCV002060181.4), dbSNP rs1291821062, ClinGen allele CA341287673.